The following is an entry in ClinVar:

ClinVar aggregate classification (germline): Uncertain significance (1 of 4 stars; one submission).

Conditions:
Charcot-Marie-Tooth disease type 2. Also called: Charcot-Marie-Tooth type 2. Identifiers: Orphanet 64746, MedGen C0270914, MONDO:0018993.

Submission:

Labcorp Genetics (formerly Invitae), Labcorp
Classification: Uncertain significance for Charcot-Marie-Tooth disease type 2. Last evaluated: 2021-02-25. Review status: criteria provided, single submitter. Criteria: Invitae Variant Classification Sherloc (09022015). Collection method: clinical testing. Allele origin: germline.
Comment: In summary, the available evidence is currently insufficient to determine the role of this variant in disease. Therefore, it has been classified as a Variant of Uncertain Significance. This sequence change replaces phenylalanine with cysteine at codon 748 of the MFN2 protein (p.Phe748Cys). The phenylalanine residue is highly conserved and there is a large physicochemical difference between phenylalanine and cysteine. This variant is not present in population databases (ExAC no frequency). This variant has not been reported in the literature in individuals with MFN2-related conditions. Advanced modeling of protein sequence and biophysical properties (such as structural, functional, and spatial information, amino acid conservation, physicochemical variation, residue mobility, and thermodynamic stability) performed at Invitae indicates that this missense variant is expected to disrupt MFN2 protein function.

NM_014874.4(MFN2):c.2243T>G (p.Phe748Cys)

Gene: MFN2 (mitofusin 2; plus strand). Cytogenetic location: 1p36.22.
Variant type: single nucleotide variant.
Coding change: c.2243T>G on transcript NM_014874.4 (MANE Select); coding-DNA position 2243, T replaced by G.
Protein change: p.Phe748Cys; replaces phenylalanine 748 with cysteine.
Molecular consequence: missense variant.
Genome position (GRCh38, 1-based): chr1:12,011,534, T>G. VCF-style: chr1-12011534-T-G. GRCh37 (hg19) VCF-style: chr1-12071591-T-G.
Other names: c.2243T>G, p.Phe748Cys (NM_001127660.2); short protein forms F748C.
Identifiers: ClinVar variation 1499165 (VCV001499165.8), dbSNP rs2100874709, ClinGen allele CA338454447.